The following is an entry in ClinVar:

NM_001042492.3(NF1):c.6921+6T>C

Gene: NF1 (neurofibromin 1; plus strand). Cytogenetic location: 17q11.2.
Variant type: single nucleotide variant.
Coding change: c.6921+6T>C on transcript NM_001042492.3 (MANE Select); 6 bases into the intron after coding-DNA position 6921, T replaced by C.
Molecular consequence: intron variant.
Genome position (GRCh38, 1-based): chr17:31,338,811, T>C. VCF-style: chr17-31338811-T-C. GRCh37 (hg19) VCF-style: chr17-29665829-T-C.
Other names: c.6858+6T>C (NM_000267.4).
Identifiers: ClinVar variation 1059509 (VCV001059509.5), dbSNP rs368541645, ClinGen allele CA289388515.

ClinVar aggregate classification (germline): Uncertain significance (1 of 4 stars; one submission).

Conditions:
Neurofibromatosis, type 1 (NF1). Also called: NEUROFIBROMATOSIS, TYPE I, SOMATIC; Neurofibromatosis, type I; VON RECKLINGHAUSEN DISEASE; Peripheral type neurofibromatosis. Identifiers: Orphanet 636, MedGen C0027831, MONDO:0018975, OMIM 162200. Disease mechanism: loss of function.

Allele frequency attached by ClinVar (database versions not stated): TOPMed below 0.00001; gnomAD 0.00001; ESP Exome Variant Server 0.00008.

Submission:

Labcorp Genetics (formerly Invitae), Labcorp
Classification: Uncertain significance for Neurofibromatosis, type 1. Last evaluated: 2025-10-17. Review status: criteria provided, single submitter. Criteria: Invitae Variant Classification Sherloc (09022015). Collection method: clinical testing. Allele origin: germline.
Comment: This sequence change falls in intron 45 of the NF1 gene. It does not directly change the encoded amino acid sequence of the NF1 protein. It affects a nucleotide within the consensus splice site. This variant is not present in population databases (gnomAD no frequency). This variant has not been reported in the literature in individuals affected with NF1-related conditions. ClinVar contains an entry for this variant (Variation ID: 1059509). Variants that disrupt the consensus splice site are a relatively common cause of aberrant splicing (PMID: 17576681, 9536098). Algorithms developed to predict the effect of sequence changes on RNA splicing suggest that this variant is not likely to affect RNA splicing. In summary, the available evidence is currently insufficient to determine the role of this variant in disease. Therefore, it has been classified as a Variant of Uncertain Significance.

Literature cited by the submitters: PubMed 17576681; PubMed 9536098.